The following is an entry in ClinVar:

NM_022124.6(CDH23):c.6402_6405del (p.Glu2135fs)

Gene: CDH23 (cadherin related 23; plus strand). Cytogenetic location: 10q22.1.
Variant type: Microsatellite.
Coding change: c.6402_6405del on transcript NM_022124.6 (MANE Select); coding-DNA positions 6402 to 6405, 4 bases deleted (AGAG; older notation c.6402_6405delAGAG).
Protein change: p.Glu2135fs; shifts the reading frame from glutamic acid 2135.
Molecular consequence: frameshift variant.
Genome position (GRCh38, 1-based): chr10:71,793,330-71,793,333, AGAG deleted; deleting any 4 consecutive bases within chr10:71,793,328-71,793,333 gives the same sequence; the c. name uses the placement nearest the transcript's 3' end. VCF-style (leftmost placement, unchanged base first): chr10-71793327-CAGAG-C. GRCh37 (hg19) VCF-style: chr10-73553084-CAGAG-C.
Other names: c.6402_6405del (NM_022124.5); short protein forms E2135fs.
Identifiers: ClinVar variation 280298 (VCV000280298.9), dbSNP rs55947063, ClinGen allele CA10603042.

ClinVar aggregate classification (germline): Pathogenic. Review status: criteria provided, multiple submitters, no conflicts (2 of 4 stars). 2 submissions from 2 submitters: Pathogenic (2). Last evaluated 2024-01-11.

Submissions (2):

Labcorp Genetics (formerly Invitae), Labcorp
Classification: Pathogenic. Last evaluated: 2024-01-11. Review status: criteria provided, single submitter. Criteria: Invitae Variant Classification Sherloc (09022015). Collection method: clinical testing. Allele origin: germline.
Comment: This sequence change creates a premature translational stop signal (p.Glu2135Serfs*7) in the CDH23 gene. It is expected to result in an absent or disrupted protein product. Loss-of-function variants in CDH23 are known to be pathogenic (PMID: 11138009, 21940737). This variant is not present in population databases (gnomAD no frequency). This variant has not been reported in the literature in individuals affected with CDH23-related conditions. ClinVar contains an entry for this variant (Variation ID: 280298). For these reasons, this variant has been classified as Pathogenic.

GeneDx
Classification: Pathogenic. Last evaluated: 2016-06-22. Review status: criteria provided, single submitter. Criteria: GeneDx Variant Classification (06012015). Collection method: clinical testing. Allele origin: germline. Affected: yes.
Comment: This pathogenic variant is predicted to cause loss of normal protein function either through protein truncation or nonsense-mediated mRNA decay. The variant was not observed in approximately 6,500 individuals of European and African American ancestry in the NHLBI Exome Sequencing Project, indicating it is not a common benign variant in these populations. Although this pathogenic variant has not been previously reported to our knowledge, we consider this variant to be pathogenic.

Literature cited by the submitters: PubMed 11138009 (cited by Labcorp Genetics (formerly Invitae), Labcorp); PubMed 21940737 (cited by Labcorp Genetics (formerly Invitae), Labcorp).